The following is an entry in ClinVar:

NM_001206979.2(NR1H4):c.80-7273C>G

Gene: NR1H4 (nuclear receptor subfamily 1 group H member 4; plus strand). Cytogenetic location: 12q23.1.
Variant type: single nucleotide variant.
Coding change: c.80-7273C>G on transcript NM_001206979.2 (MANE Select); 7273 bases into the intron before coding-DNA position 80, C replaced by G.
Molecular consequence: intron variant.
Genome position (GRCh38, 1-based): chr12:100,503,505, C>G. VCF-style: chr12-100503505-C-G. GRCh37 (hg19) VCF-style: chr12-100897283-C-G.
Other names: c.80-7273C>G (NM_001206977.2, NM_005123.4, NM_001206978.2); c.109+9C>G (NM_001206993.2, NM_001206992.2).
Identifiers: ClinVar variation 3036230 (VCV003036230.2), dbSNP rs760186422, ClinGen allele CA6739159.

ClinVar aggregate classification (germline): Likely benign (0 of 4 stars; one submission).

Conditions:
NR1H4-related disorder. Also called: NR1H4-related condition.

Allele frequency attached by ClinVar (database versions not stated): ExAC 0.00001; gnomAD exomes 0.00001; gnomAD 0.00013; TOPMed 0.00018.
gnomAD v4.1: 32 of 1,588,394 alleles (0.002%); highest among the groups gnomAD compares: African/African-American, 0.041%; no homozygotes.

Submission:

PreventionGenetics, part of Exact Sciences
Classification: Likely benign for NR1H4-related condition. Last evaluated: 2021-06-23. Review status: no assertion criteria provided. Collection method: clinical testing. Allele origin: germline.
Comment: This variant is classified as likely benign based on ACMG/AMP sequence variant interpretation guidelines (Richards et al. 2015 PMID: 25741868, with internal and published modifications).